The following is an entry in ClinVar:

ClinVar aggregate classification (germline): Uncertain significance (1 of 4 stars; one submission).

Allele frequency attached by ClinVar (database versions not stated): gnomAD exomes below 0.00001 and 0.00001; TOPMed below 0.00001; ExAC 0.00001.
gnomAD v4.1: 5 of 1,613,694 alleles (0.00031%); highest among the groups gnomAD compares: East Asian, 0.011%; no homozygotes.

Submission:

Laboratory for Molecular Medicine, Mass General Brigham Personalized Medicine
Classification: Uncertain significance. Last evaluated: 2015-06-09. Review status: criteria provided, single submitter. Criteria: LMM Criteria. Collection method: clinical testing. Allele origin: germline. Observed: 1 variant allele.
Comment: The p.Gln25753Arg variant in TTN has not been previously reported in individuals with cardiomyopathy, but has been identified in 1/8522 East Asian chromosomes b y the Exome Aggregation Consortium (ExAC). Compu tational prediction tools and conservation analysis suggest that this variant ma y not impact the protein, though this information is not predictive enough to ru le out pathogenicity. In summary, the clinical significance of the p.Gln25753Arg variant is uncertain.

NM_001267550.2(TTN):c.84962A>G (p.Gln28321Arg)

Genes: TTN (titin; minus strand), TTN-AS1 (TTN antisense RNA 1; plus strand). Cytogenetic location: 2q31.2.
Variant type: single nucleotide variant.
Coding change: c.84962A>G on transcript NM_001267550.2 (MANE Select); coding-DNA position 84962, A replaced by G.
Protein change: p.Gln28321Arg; replaces glutamine 28321 with arginine.
Molecular consequence: missense variant.
Genome position (GRCh38, 1-based): chr2:178,561,170, T>C on the plus strand (A>G on the coding strand, the complement: TTN is on the minus strand). VCF-style: chr2-178561170-T-C. GRCh37 (hg19) VCF-style: chr2-179425897-T-C.
Other names: c.77258A>G, p.Gln25753Arg (NM_133378.4); c.80039A>G, p.Gln26680Arg (NM_001256850.1); c.57767A>G, p.Gln19256Arg (NM_003319.4); c.58142A>G, p.Gln19381Arg (NM_133432.3); c.58343A>G, p.Gln19448Arg (NM_133437.4); short protein forms Q25753R, Q28321R, Q19256R, Q26680R, Q19381R, Q19448R.
Identifiers: ClinVar variation 229533 (VCV000229533.5), dbSNP rs760149145, ClinGen allele CA1988714.